The following is an entry in ClinVar:

NM_007294.4(BRCA1):c.74C>G (p.Pro25Arg)

Gene: BRCA1 (BRCA1 DNA repair associated; minus strand). Cytogenetic location: 17q21.31.
Variant type: single nucleotide variant.
Coding change: c.74C>G on transcript NM_007294.4 (MANE Select); coding-DNA position 74, C replaced by G.
Protein change: p.Pro25Arg; replaces proline 25 with arginine.
Molecular consequence: missense variant. On other transcripts: 5 prime UTR variant (1), non-coding transcript variant (1).
Genome position (GRCh38, 1-based): chr17:43,124,023, G>C on the plus strand (C>G on the coding strand, the complement: BRCA1 is on the minus strand). VCF-style: chr17-43124023-G-C. GRCh37 (hg19) VCF-style: chr17-41276040-G-C.
Other names: c.74C>G, p.Pro25Arg (NM_001408437.1, NM_001408438.1, NM_001408439.1 and 193 more transcripts); c.-187C>G (NM_001408452.1, NM_001408462.1, NM_001408463.1 and 22 more transcripts); c.-14C>G (NM_001408454.1, NM_001408459.1, NM_001408460.1 and 23 more transcripts); c.-184C>G (NM_001408455.1, NM_001408456.1, NM_001408468.1 and 11 more transcripts); c.-188C>G (NM_001408465.1, NM_001407695.1); c.-115C>G (NM_001408478.1, NM_001408479.1, NM_001408480.1 and 46 more transcripts); c.-260C>G (NM_001408482.1); c.-231C>G (NM_001408492.1, NM_001407889.1); and 8 more; short protein forms P25R.
Identifiers: ClinVar variation 865065 (VCV000865065.3), dbSNP rs876660096, ClinGen allele CA10602008.

Conditions:
Breast-ovarian cancer, familial, susceptibility to, 1 (BROVCA1). Also called: BRCA1 Hereditary Breast and Ovarian Cancer; OVARIAN CANCER, SUSCEPTIBILITY TO. Identifiers: Orphanet 145, MedGen C2676676, MONDO:0011450, OMIM 604370. Disease mechanism: loss of function.

Submission:

Brotman Baty Institute, University of Washington
No classification provided (evidence only). Condition: Breast-ovarian cancer, familial 1. Review status: no classification provided. Collection method: in vitro. Allele origin: not applicable. Functional consequence: functionally_normal.
ClinVar note: "not provided" was previously submitted as the classification for the variant. However, the classification appeared to be based only on an observation of functional data so it was converted to no classification on 2025-07-30.